The following is an entry in ClinVar:

NM_006946.4(SPTBN2):c.1618C>G (p.Leu540Val)

Gene: SPTBN2 (spectrin beta, non-erythrocytic 2; minus strand). Cytogenetic location: 11q13.2.
Variant type: single nucleotide variant.
Coding change: c.1618C>G on transcript NM_006946.4 (MANE Select); coding-DNA position 1618, C replaced by G.
Protein change: p.Leu540Val; replaces leucine 540 with valine.
Molecular consequence: missense variant.
Genome position (GRCh38, 1-based): chr11:66,707,551, G>C on the plus strand (C>G on the coding strand, the complement: SPTBN2 is on the minus strand). VCF-style: chr11-66707551-G-C. GRCh37 (hg19) VCF-style: chr11-66475022-G-C.
Other names: c.1639C>G, p.Leu547Val (NM_001411025.1); c.1618C>G, p.Leu540Val (NM_001437541.1); short protein forms L540V, L547V.
Identifiers: ClinVar variation 4685343 (VCV004685343.1).

ClinVar aggregate classification (germline): Uncertain significance (1 of 4 stars; one submission).

gnomAD v4.1: 2 of 1,610,928 alleles (0.00012%); highest among the groups gnomAD compares: Non-Finnish European, 0.00017%; no homozygotes.

Submission:

GeneDx
Classification: Uncertain significance. Last evaluated: 2025-07-11. Review status: criteria provided, single submitter. Criteria: GeneDx Variant Classification Process June 2021. Collection method: clinical testing. Allele origin: germline. Affected: yes.
Comment: Not observed at significant frequency in large population cohorts (gnomAD); In silico analysis suggests that this missense variant does not alter protein structure/function; Has not been previously published as pathogenic or benign to our knowledge